The following is an entry in ClinVar:

ClinVar aggregate classification (germline): Uncertain significance. Review status: criteria provided, multiple submitters, no conflicts (2 of 4 stars). 3 submissions from 3 submitters: Uncertain significance (3). Last evaluated 2026-01-18.

Conditions:
Cardiovascular phenotype. Identifiers: MedGen CN230736.
Hereditary cancer-predisposing syndrome. Also called: Hereditary Cancer Syndrome; Hereditary neoplastic syndrome; Neoplastic Syndromes, Hereditary; Tumor predisposition. Identifiers: Orphanet 140162, MedGen C0027672, MeSH D009386, MONDO:0015356.

Submissions (3):

Labcorp Genetics (formerly Invitae), Labcorp
Classification: Uncertain significance. Last evaluated: 2026-01-18. Review status: criteria provided, single submitter. Criteria: Invitae Variant Classification Sherloc (09022015). Collection method: clinical testing. Allele origin: germline.
Comment: This sequence change replaces asparagine, which is neutral and polar, with serine, which is neutral and polar, at codon 143 of the LZTR1 protein (p.Asn143Ser). This variant is not present in population databases (gnomAD no frequency). This missense change has been observed in individual(s) with Noonan syndrome (PMID: 30368668). ClinVar contains an entry for this variant (Variation ID: 2501185). Invitae Evidence Modeling of protein sequence and biophysical properties (such as structural, functional, and spatial information, amino acid conservation, physicochemical variation, residue mobility, and thermodynamic stability) indicates that this missense variant is not expected to disrupt LZTR1 protein function with a negative predictive value of 80%. This variant disrupts the p.Asn143 amino acid residue in LZTR1. Other variant(s) that disrupt this residue have been observed in individuals with LZTR1-related conditions (PMID: 30368668, 36609239), which suggests that this may be a clinically significant amino acid residue. In summary, the available evidence is currently insufficient to determine the role of this variant in disease. Therefore, it has been classified as a Variant of Uncertain Significance.

Ambry Genetics
Classification: Uncertain significance for Cardiovascular phenotype; Hereditary cancer-predisposing syndrome. Last evaluated: 2025-01-16. Review status: criteria provided, single submitter. Criteria: Ambry Variant Classification Scheme 2023. Collection method: clinical testing. Allele origin: germline.
Comment: The p.N143S variant (also known as c.428A>G), located in coding exon 5 of the LZTR1 gene, results from an A to G substitution at nucleotide position 428. The asparagine at codon 143 is replaced by serine, an amino acid with highly similar properties. This variant was reported as heterozygous in a patient with features of Noonan syndrome; however, no other variants in LZTR1 were identied and the patient's unaffected father was also heterozygous for this variant (Umeki I et al. Hum Genet, 2019 Jan;138:21-35). This amino acid position is highly conserved in available vertebrate species. In addition, this alteration is predicted to be tolerated by in silico analysis. Based on the available evidence, the clinical significance of this variant remains unclear.

Women's Health and Genetics/Laboratory Corporation of America, LabCorp
Classification: Uncertain significance. Last evaluated: 2023-03-07. Review status: criteria provided, single submitter. Criteria: LabCorp Variant Classification Summary - May 2015. Collection method: clinical testing. Allele origin: germline.
Comment: Variant summary: LZTR1 c.428A>G (p.Asn143Ser) results in a conservative amino acid change in the encoded protein sequence. Three of five in-silico tools predict a damaging effect of the variant on protein function. The variant was absent in 251326 control chromosomes (gnomAD). The available data on variant occurrences in the general population are insufficient to allow any conclusion about variant significance. c.428A>G has been reported in the literature in the heterozygous state in an individual affected with Noonan Syndrome, however the patient's father also harbored the variant and was unaffected, showing no clinical signs/symptoms of Noonan Syndrome (Umeki_2019). Therefore no conclusions can be drawn from this data. To our knowledge, no experimental evidence demonstrating an impact on protein function has been reported. No clinical diagnostic laboratories have submitted clinical-significance assessments for this variant to ClinVar after 2014. Based on the evidence outlined above, the variant was classified as uncertain significance.

Literature cited by the submitters: PubMed 30368668 (cited by 3 submitters); PubMed 36609239 (cited by Labcorp Genetics (formerly Invitae), Labcorp).

NM_006767.4(LZTR1):c.428A>G (p.Asn143Ser)

Gene: LZTR1 (leucine zipper like post translational regulator 1; plus strand). Cytogenetic location: 22q11.21.
Variant type: single nucleotide variant.
Coding change: c.428A>G on transcript NM_006767.4 (MANE Select); coding-DNA position 428, A replaced by G.
Protein change: p.Asn143Ser; replaces asparagine 143 with serine.
Molecular consequence: missense variant.
Genome position (GRCh38, 1-based): chr22:20,988,037, A>G. VCF-style: chr22-20988037-A-G. GRCh37 (hg19) VCF-style: chr22-21342326-A-G.
Other names: short protein forms N143S.
Identifiers: ClinVar variation 2501185 (VCV002501185.4), dbSNP rs2518613235, ClinGen allele CA410779718.
Genomic context (GRCh38, chr22:20,988,037, plus strand): 5'-TGGGTTTGACAGTTTCTCACTCTCTTTACTCAGGGGGTTACACTGGGGACATTTATTCCA[A>G]TTCTAACTTGAAGAATAAAAACGACCTCTTTGAATACAAGTTTGCAACTGGCCAGTGGAC-3'
Protein context (NP_006758.2, residues 133-153): FGGYTGDIYS[Asn143Ser]SNLKNKNDLF